The following is an entry in ClinVar:

NM_003482.4(KMT2D):c.4810A>G (p.Thr1604Ala)

Gene: KMT2D (lysine methyltransferase 2D; minus strand). Cytogenetic location: 12q13.12.
Variant type: single nucleotide variant.
Coding change: c.4810A>G on transcript NM_003482.4 (MANE Select); coding-DNA position 4810, A replaced by G.
Protein change: p.Thr1604Ala; replaces threonine 1604 with alanine.
Molecular consequence: missense variant.
Genome position (GRCh38, 1-based): chr12:49,044,897, T>C on the plus strand (A>G on the coding strand, the complement: KMT2D is on the minus strand). VCF-style: chr12-49044897-T-C. GRCh37 (hg19) VCF-style: chr12-49438680-T-C.
Other names: short protein forms T1604A.
Identifiers: ClinVar variation 1030674 (VCV001030674.6), dbSNP rs1943716640, ClinGen allele CA384640960.

ClinVar aggregate classification (germline): Uncertain significance. Review status: criteria provided, multiple submitters, no conflicts (2 of 4 stars). 3 submissions from 3 submitters: Uncertain significance (3). Last evaluated 2026-07-07.

Conditions:
KMT2D-related disorder. Also called: KMT2D-Related Disorders.
Kabuki syndrome 1 (KABUK1). Also called: KMT2D-Related Kabuki Syndrome. Identifiers: Orphanet 2322, MedGen CN030661, MONDO:0007843, OMIM 147920.
Kabuki syndrome. Also called: Kabuki make-up syndrome; NIIKAWA-KUROKI SYNDROME. Identifiers: Orphanet 2322, MedGen C0796004, MONDO:0016512.

Allele frequency attached by ClinVar (database versions not stated): gnomAD exomes below 0.00001.
gnomAD v4.1: 2 of 1,614,012 alleles (0.00012%); highest among the groups gnomAD compares: Admixed American, 0.0033%; no homozygotes.

Submissions (3):

PreventionGenetics, part of Exact Sciences
Classification: Uncertain significance for KMT2D-related condition. Last evaluated: 2026-07-07. Review status: criteria provided, single submitter. Criteria: ACMG Guidelines, 2015. Collection method: clinical testing. Allele origin: germline.
Comment: The KMT2D c.4810A>G variant is predicted to result in the amino acid substitution p.Thr1604Ala. To our knowledge, this variant has not been reported in the literature or in a large population database (gnomAD), indicating this variant is rare. At this time, the clinical significance of this variant is uncertain due to the absence of conclusive functional and genetic evidence.

Labcorp Genetics (formerly Invitae), Labcorp
Classification: Uncertain significance for Kabuki syndrome. Last evaluated: 2024-08-16. Review status: criteria provided, single submitter. Criteria: Invitae Variant Classification Sherloc (09022015). Collection method: clinical testing. Allele origin: germline.
Comment: This sequence change replaces threonine, which is neutral and polar, with alanine, which is neutral and non-polar, at codon 1604 of the KMT2D protein (p.Thr1604Ala). This variant is not present in population databases (gnomAD no frequency). This variant has not been reported in the literature in individuals affected with KMT2D-related conditions. ClinVar contains an entry for this variant (Variation ID: 1030674). Invitae Evidence Modeling of protein sequence and biophysical properties (such as structural, functional, and spatial information, amino acid conservation, physicochemical variation, residue mobility, and thermodynamic stability) indicates that this missense variant is not expected to disrupt KMT2D protein function with a negative predictive value of 95%. In summary, the available evidence is currently insufficient to determine the role of this variant in disease. Therefore, it has been classified as a Variant of Uncertain Significance.

Baylor Genetics
Classification: Uncertain significance for Kabuki syndrome 1. Last evaluated: 2019-07-10. Review status: criteria provided, single submitter. Criteria: ACMG Guidelines, 2015. Collection method: clinical testing. Allele origin: unknown. Affected: yes.
Comment: This variant was determined to be of uncertain significance according to ACMG Guidelines, 2015 [PMID:25741868].